The following is an entry in ClinVar:

ClinVar aggregate classification (germline): Uncertain significance. Review status: criteria provided, multiple submitters, no conflicts (2 of 4 stars). 3 submissions from 3 submitters: Uncertain significance (3). Last evaluated 2026-01-13.

Conditions:
Renal cell carcinoma. Identifiers: Orphanet 217071, MedGen C0007134, MeSH D002292, MONDO:0005086, HP:0005584.
Hereditary cancer-predisposing syndrome. Also called: Tumor predisposition; Hereditary Cancer Syndrome; Hereditary neoplastic syndrome; Neoplastic Syndromes, Hereditary. Identifiers: Orphanet 140162, MedGen C0027672, MeSH D009386, MONDO:0015356.

Allele frequency attached by ClinVar (database versions not stated): gnomAD exomes below 0.00001; ExAC 0.00001.

Submissions (3):

Labcorp Genetics (formerly Invitae), Labcorp
Classification: Uncertain significance for Renal cell carcinoma. Last evaluated: 2026-01-13. Review status: criteria provided, single submitter. Criteria: Invitae Variant Classification Sherloc (09022015). Collection method: clinical testing. Allele origin: germline.
Comment: This sequence change replaces asparagine, which is neutral and polar, with lysine, which is basic and polar, at codon 607 of the MET protein (p.Asn607Lys). This variant is present in population databases (rs762389147, gnomAD 0.0009%). This variant has not been reported in the literature in individuals affected with MET-related conditions. ClinVar contains an entry for this variant (Variation ID: 1441143). Invitae Evidence Modeling of protein sequence and biophysical properties (such as structural, functional, and spatial information, amino acid conservation, physicochemical variation, residue mobility, and thermodynamic stability) indicates that this missense variant is not expected to disrupt MET protein function with a negative predictive value of 80%. In summary, the available evidence is currently insufficient to determine the role of this variant in disease. Therefore, it has been classified as a Variant of Uncertain Significance.

Ambry Genetics
Classification: Uncertain significance for Hereditary cancer-predisposing syndrome. Last evaluated: 2025-06-16. Review status: criteria provided, single submitter. Criteria: Ambry Variant Classification Scheme 2023. Collection method: clinical testing. Allele origin: germline.
Comment: The p.N607K variant (also known as c.1821T>A), located in coding exon 5 of the MET gene, results from a T to A substitution at nucleotide position 1821. The asparagine at codon 607 is replaced by lysine, an amino acid with similar properties. This amino acid position is well conserved in available vertebrate species. In addition, this alteration is predicted to be tolerated by in silico analysis. Since supporting evidence is limited at this time, the clinical significance of this alteration remains unclear.

GeneDx
Classification: Uncertain significance. Last evaluated: 2022-03-09. Review status: criteria provided, single submitter. Criteria: GeneDx Variant Classification Process June 2021. Collection method: clinical testing. Allele origin: germline. Affected: yes.
Comment: Not observed at significant frequency in large population cohorts (gnomAD); In silico analysis supports that this missense variant does not alter protein structure/function; Has not been previously published as pathogenic or benign to our knowledge

NM_000245.4(MET):c.1821T>A (p.Asn607Lys)

Gene: MET (MET proto-oncogene, receptor tyrosine kinase; plus strand). Cytogenetic location: 7q31.2.
Variant type: single nucleotide variant.
Coding change: c.1821T>A on transcript NM_000245.4 (MANE Select); coding-DNA position 1821, T replaced by A.
Protein change: p.Asn607Lys; replaces asparagine 607 with lysine.
Molecular consequence: missense variant.
Genome position (GRCh38, 1-based): chr7:116,755,474, T>A. VCF-style: chr7-116755474-T-A. GRCh37 (hg19) VCF-style: chr7-116395528-T-A.
Other names: c.1821T>A, p.Asn607Lys (NM_001127500.3, NM_001324401.3); c.531T>A, p.Asn177Lys (NM_001324402.2); short protein forms N177K, N607K.
Identifiers: ClinVar variation 1441143 (VCV001441143.13), dbSNP rs762389147, ClinGen allele CA4448282.